The following is an entry in ClinVar:

ClinVar aggregate classification (germline): Uncertain significance (1 of 4 stars; one submission).

Conditions:
Cardiovascular phenotype. Identifiers: MedGen CN230736.
Hereditary cancer-predisposing syndrome. Also called: Neoplastic Syndromes, Hereditary; Tumor predisposition; Hereditary neoplastic syndrome; Hereditary Cancer Syndrome. Identifiers: Orphanet 140162, MedGen C0027672, MeSH D009386, MONDO:0015356.

Submission:

Ambry Genetics
Classification: Uncertain significance for Cardiovascular phenotype; Hereditary cancer-predisposing syndrome. Last evaluated: 2025-06-02. Review status: criteria provided, single submitter. Criteria: Ambry Variant Classification Scheme 2023. Collection method: clinical testing. Allele origin: germline.
Comment: The p.Y735N variant (also known as c.2203T>A), located in coding exon 18 of the NF1 gene, results from a T to A substitution at nucleotide position 2203. The tyrosine at codon 735 is replaced by asparagine, an amino acid with dissimilar properties. This amino acid position is conserved. In addition, the in silico prediction for this alteration is inconclusive. Based on the available evidence, the clinical significance of this variant remains unclear.

NM_001042492.3(NF1):c.2203T>A (p.Tyr735Asn)

Gene: NF1 (neurofibromin 1; plus strand). Cytogenetic location: 17q11.2.
Variant type: single nucleotide variant.
Coding change: c.2203T>A on transcript NM_001042492.3 (MANE Select); coding-DNA position 2203, T replaced by A.
Protein change: p.Tyr735Asn; replaces tyrosine 735 with asparagine.
Molecular consequence: missense variant.
Genome position (GRCh38, 1-based): chr17:31,226,636, T>A. VCF-style: chr17-31226636-T-A. GRCh37 (hg19) VCF-style: chr17-29553654-T-A.
Other names: c.2203T>A, p.Tyr735Asn (NM_000267.4); short protein forms Y735N.
Identifiers: ClinVar variation 4036389 (VCV004036389.1).